The following is an entry in ClinVar:

ClinVar aggregate classification (germline): Benign/Likely benign. Review status: criteria provided, multiple submitters, no conflicts (2 of 4 stars). 10 submissions from 10 submitters: Benign (7); Likely benign (3). Last evaluated 2026-09-01.

Conditions:
PDHX-related disorder. Also called: PDHX-related condition.
Pyruvate dehydrogenase E1-alpha deficiency (PDHAD). Also called: ATAXIA, INTERMITTENT, WITH PYRUVATE DEHYDROGENASE DEFICIENCY; ATAXIA WITH LACTIC ACIDOSIS I; ATAXIA, INTERMITTENT, WITH ABNORMAL PYRUVATE METABOLISM; Ataxia, intermittent, with pyruvate dehydrogenase, or decarboxylase, deficiency. Identifiers: Orphanet 79243, MedGen C1839413, MONDO:0010717, OMIM 312170.
Pyruvate dehydrogenase E3-binding protein deficiency (PDHXD). Also called: Lacticacidemia due to PDX1 deficiency; PYRUVATE HYDROGENASE E3-BINDING PROTEIN DEFICIENCY; LACTIC ACIDEMIA DUE TO DEFECT IN LIPOYL-CONTAINING COMPONENT X OF THE PYRUVATE DEHYDROGENASE COMPLEX; E3-Binding Protein (Component X) Deficiency. Identifiers: Orphanet 255182, MedGen C1855553, MONDO:0009503, OMIM 245349.

Allele frequency attached by ClinVar (database versions not stated): 1000 Genomes Project 30x 0.00297; 1000 Genomes Project 0.00300; TOPMed 0.00539; gnomAD 0.00574 and 0.00579; gnomAD exomes 0.00621; ExAC 0.00643; ESP Exome Variant Server 0.00655.
gnomAD v4.1: 10,684 of 1,551,262 alleles (0.69%); highest among the groups gnomAD compares: Non-Finnish European, 0.82%; 46 homozygotes.

Submissions (10):

CeGaT Center for Human Genetics Tuebingen
Classification: Likely benign. Last evaluated: 2026-09-01. Review status: criteria provided, single submitter. Criteria: CeGaT Center For Human Genetics Tuebingen Variant Classification Criteria Version 2. Collection method: clinical testing. Allele origin: germline. Affected: yes. Observed: 39 variant alleles.
Comment: PDHX: BS2

PreventionGenetics, part of Exact Sciences
Classification: Benign for PDHX-related condition. Last evaluated: 2026-05-15. Review status: criteria provided, single submitter. Criteria: ACMG Guidelines, 2015. Collection method: clinical testing. Allele origin: germline.
Comment: This variant is classified as benign based on ACMG/AMP sequence variant interpretation guidelines (Richards et al. 2015 PMID: 25741868, with internal and published modifications).

Labcorp Genetics (formerly Invitae), Labcorp
Classification: Benign. Last evaluated: 2026-02-04. Review status: criteria provided, single submitter. Criteria: Invitae Variant Classification Sherloc (09022015). Collection method: clinical testing. Allele origin: germline.

Mayo Clinic Laboratories, Mayo Clinic
Classification: Benign. Last evaluated: 2025-03-18. Review status: criteria provided, single submitter. Criteria: ACMG Guidelines, 2015. Collection method: clinical testing. Allele origin: germline. Observed: 18 variant alleles.
Comment: BA1, BP4

ARUP Laboratories, Molecular Genetics and Genomics, ARUP Laboratories
Classification: Benign for Pyruvate dehydrogenase E3-binding protein deficiency. Last evaluated: 2023-09-18. Review status: criteria provided, single submitter. Criteria: ARUP Molecular Germline Variant Investigation Process 2024. Collection method: clinical testing. Allele origin: germline.

Mendelics
Classification: Likely benign for Pyruvate dehydrogenase E1-alpha deficiency. Last evaluated: 2019-05-28. Review status: criteria provided, single submitter. Criteria: Mendelics Assertion Criteria 2017. Collection method: clinical testing. Allele origin: unknown.

Illumina Laboratory Services, Illumina
Classification: Benign for Pyruvate dehydrogenase E3-binding protein deficiency. Last evaluated: 2018-01-13. Review status: criteria provided, single submitter. Criteria: ICSL Variant Classification Criteria 13 December 2019. Collection method: clinical testing. Allele origin: germline.
Comment: This variant was observed in the ICSL laboratory as part of a predisposition screen in an ostensibly healthy population. It had not been previously curated by ICSL or reported in the Human Gene Mutation Database (HGMD: prior to June 1st, 2018), and was therefore a candidate for classification through an automated scoring system. Utilizing variant allele frequency, disease prevalence and penetrance estimates, and inheritance mode, an automated score was calculated to assess if this variant is too frequent to cause the disease. Based on the score and internal cut-off values, a variant classified as benign is not then subjected to further curation. The score for this variant resulted in a classification of benign for this disease.

Eurofins Ntd Llc (ga)
Classification: Benign. Last evaluated: 2016-05-14. Review status: criteria provided, single submitter. Criteria: EGL Classification Definitions 2015. Collection method: clinical testing. Allele origin: germline. Observed: 1 variant allele, 1 heterozygote.

Center for Pediatric Genomic Medicine, Children's Mercy Hospital and Clinics
Classification: Likely benign. Last evaluated: 2015-08-19. Review status: criteria provided, single submitter. Criteria: ACMG Guidelines, 2015. Collection method: clinical testing. Allele origin: germline.
ClinVar note: Converted during submission from Likely Benign to Likely benign.

GeneDx
Classification: Benign. Last evaluated: 2014-01-13. Review status: criteria provided, single submitter. Criteria: GeneDx Variant Classification (06012015). Collection method: clinical testing. Allele origin: germline. Affected: yes.
Comment: This variant is considered likely benign or benign based on one or more of the following criteria: it is a conservative change, it occurs at a poorly conserved position in the protein, it is predicted to be benign by multiple in silico algorithms, and/or has population frequency not consistent with disease.

NM_003477.3(PDHX):c.976G>C (p.Val326Leu)

Gene: PDHX (pyruvate dehydrogenase complex component X; plus strand). Cytogenetic location: 11p13.
Variant type: single nucleotide variant.
Coding change: c.976G>C on transcript NM_003477.3 (MANE Select); coding-DNA position 976, G replaced by C.
Protein change: p.Val326Leu; replaces valine 326 with leucine.
Molecular consequence: missense variant. On other transcripts: intron variant (1).
Genome position (GRCh38, 1-based): chr11:34,978,135, G>C. VCF-style: chr11-34978135-G-C. GRCh37 (hg19) VCF-style: chr11-34999682-G-C.
Other names: p.V326L:GTA>CTA; p.Val326Leu; c.796G>C, p.Val266Leu (NM_001135024.2); c.343-6435G>C (NM_001166158.2); short protein forms V326L, V266L.
Identifiers: ClinVar variation 138664 (VCV000138664.74), dbSNP rs35560997, ClinGen allele CA292751.